The following is an entry in ClinVar:

NM_003322.6(TULP1):c.499+1G>T

Gene: TULP1 (TUB like protein 1; minus strand). Cytogenetic location: 6p21.31.
Variant type: single nucleotide variant.
Coding change: c.499+1G>T on transcript NM_003322.6 (MANE Select); the canonical splice donor site of the intron after coding-DNA position 499, G replaced by T.
Molecular consequence: splice donor variant.
Genome position (GRCh38, 1-based): chr6:35,510,860, C>A on the plus strand (G>T on the coding strand, the complement: TULP1 is on the minus strand). VCF-style: chr6-35510860-C-A. GRCh37 (hg19) VCF-style: chr6-35478637-C-A.
Other names: c.340+1G>T (NM_001289395.2).
Identifiers: ClinVar variation 2814879 (VCV002814879.3), dbSNP rs1031660226, ClinGen allele CA137291973.

ClinVar aggregate classification (germline): Likely pathogenic (1 of 4 stars; one submission).

Allele frequency attached by ClinVar (database versions not stated): TOPMed 0.00003.

Submission:

Labcorp Genetics (formerly Invitae), Labcorp
Classification: Likely pathogenic. Last evaluated: 2022-11-24. Review status: criteria provided, single submitter. Criteria: Invitae Variant Classification Sherloc (09022015). Collection method: clinical testing. Allele origin: germline.
Comment: This sequence change affects a donor splice site in intron 5 of the TULP1 gene. It is expected to disrupt RNA splicing. Variants that disrupt the donor or acceptor splice site typically lead to a loss of protein function (PMID: 16199547), and loss-of-function variants in TULP1 are known to be pathogenic (PMID: 8606774, 10549638, 15024725, 18055821). This variant is not present in population databases (gnomAD no frequency). This variant has not been reported in the literature in individuals affected with TULP1-related conditions. Algorithms developed to predict the effect of sequence changes on RNA splicing suggest that this variant may disrupt the consensus splice site. In summary, the currently available evidence indicates that the variant is pathogenic, but additional data are needed to prove that conclusively. Therefore, this variant has been classified as Likely Pathogenic.

Literature cited by the submitters: PubMed 16199547; PubMed 8606774; PubMed 10549638; PubMed 15024725; PubMed 18055821.